The following is an entry in ClinVar:

NM_000124.4(ERCC6):c.331C>T (p.Gln111Ter)

Gene: ERCC6 (ERCC excision repair 6, chromatin remodeling factor; minus strand). Cytogenetic location: 10q11.23.
Variant type: single nucleotide variant.
Coding change: c.331C>T on transcript NM_000124.4 (MANE Select); coding-DNA position 331, C replaced by T.
Protein change: p.Gln111Ter; replaces glutamine 111 with a stop codon.
Molecular consequence: nonsense.
Genome position (GRCh38, 1-based): chr10:49,532,634, G>A on the plus strand (C>T on the coding strand, the complement: ERCC6 is on the minus strand). VCF-style: chr10-49532634-G-A. GRCh37 (hg19) VCF-style: chr10-50740680-G-A.
Other names: c.331C>T, p.Gln111Ter (NM_001277058.2, NM_001277059.2, NM_001346440.2); short protein forms Q111*.
Identifiers: ClinVar variation 2793707 (VCV002793707.3), dbSNP rs1472833470, ClinGen allele CA376712304.
Genomic context (GRCh38, chr10:49,532,634, plus strand): 5'-TCTCCACGTCAACGAGCTGGGAGGCACGGCTGGCCTCATGGATGGCATTGTCCACCTGCT[G>A]AAGCACTCCCTGTTCCAGCACGTCCTGGTCATAGACGTCCACACCCAAACCCTGCAGCTC-3'

ClinVar aggregate classification (germline): Pathogenic (1 of 4 stars; one submission).

Allele frequency attached by ClinVar (database versions not stated): TOPMed below 0.00001.

Submission:

Labcorp Genetics (formerly Invitae), Labcorp
Classification: Pathogenic. Last evaluated: 2023-05-30. Review status: criteria provided, single submitter. Criteria: Invitae Variant Classification Sherloc (09022015). Collection method: clinical testing. Allele origin: germline.
Comment: For these reasons, this variant has been classified as Pathogenic. This variant has not been reported in the literature in individuals affected with ERCC6-related conditions. This variant is present in population databases (no rsID available, gnomAD 0.007%). This sequence change creates a premature translational stop signal (p.Gln111*) in the ERCC6 gene. It is expected to result in an absent or disrupted protein product. Loss-of-function variants in ERCC6 are known to be pathogenic (PMID: 18628313, 29572252).

Literature cited by the submitters: PubMed 18628313; PubMed 29572252.